The following is an entry in ClinVar:

NM_003640.5(ELP1):c.909_919del (p.Trp304fs)

Gene: ELP1 (elongator acetyltransferase complex subunit 1; minus strand). Cytogenetic location: 9q31.3.
Variant type: Deletion.
Coding change: c.909_919del on transcript NM_003640.5 (MANE Select); coding-DNA positions 909 to 919, 11 bases deleted (CTGGCTGGAAG).
Protein change: p.Trp304fs; shifts the reading frame from tryptophan 304.
Molecular consequence: frameshift variant. On other transcripts: 5 prime UTR variant (1).
Genome position (GRCh38, 1-based): chr9:108,916,243-108,916,253, CTTCCAGCCAG deleted on the plus strand (CTGGCTGGAAG on the coding strand, the reverse complement: ELP1 is on the minus strand). VCF-style (leftmost placement, unchanged base first): chr9-108916242-TCTTCCAGCCAG-T. GRCh37 (hg19) VCF-style: chr9-111678522-TCTTCCAGCCAG-T.
Other names: c.567_577del, p.Trp190fs (NM_001318360.2); c.-139_-129del (NM_001330749.2); short protein forms W190fs, W304fs.
Identifiers: ClinVar variation 1074081 (VCV001074081.7), dbSNP rs2132025166, ClinGen allele CA2499219560.

ClinVar aggregate classification (germline): Pathogenic (1 of 4 stars; one submission).

Submission:

Labcorp Genetics (formerly Invitae), Labcorp
Classification: Pathogenic. Last evaluated: 2020-09-24. Review status: criteria provided, single submitter. Criteria: Invitae Variant Classification Sherloc (09022015). Collection method: clinical testing. Allele origin: germline.
Comment: This sequence change creates a premature translational stop signal (p.Trp304Profs*65) in the ELP1 gene. It is expected to result in an absent or disrupted protein product. For these reasons, this variant has been classified as Pathogenic. Loss-of-function variants in ELP1 are known to be pathogenic (PMID: 18303054, 24173031). This variant has not been reported in the literature in individuals with ELP1-related conditions. This variant is not present in population databases (ExAC no frequency).

Literature cited by the submitters: PubMed 18303054; PubMed 24173031.